The following is an entry in ClinVar:

NC_000013.11:g.(?_32315479)_(32316528_32319076)del

Gene: BRCA2 (BRCA2 DNA repair associated; plus strand). Cytogenetic location: 13q13.1.
Variant type: Deletion.
Identifiers: ClinVar variation 981959 (VCV000981959.1).

ClinVar aggregate classification (germline): Pathogenic (1 of 4 stars; one submission).

Conditions:
Hereditary breast ovarian cancer syndrome. Also called: Hereditary breast and ovarian cancer syndrome; Hereditary breast and/or ovarian cancer syndrome; Hereditary breast and ovarian cancer syndrome (HBOC); Hereditary breast and ovarian cancer; Breast and ovarian cancer; BRCA1- and BRCA2-Associated Hereditary Breast and Ovarian Cancer. Identifiers: Orphanet 145, MedGen C0677776, MeSH D061325, MONDO:0003582. Disease mechanism: loss of function.

Submission:

Women's Health and Genetics/Laboratory Corporation of America, LabCorp
Classification: Pathogenic for Hereditary breast and ovarian cancer syndrome. Last evaluated: 2020-03-17. Review status: criteria provided, single submitter. Criteria: LabCorp Variant Classification Summary - May 2015. Collection method: clinical testing. Allele origin: germline.
Comment: Variant summary: The variant identified by MLPA or other technology involves the deletion of the non-coding exon 1 and exon 2 that contains the canonical translation initiation codon of the BRCA2 gene. A presumed nomenclature of c.(?_-228)_(67+1_68-1)del has been designated for the purposes of this classification. Although exact breakpoints of this deletion are not known, it is expected to result in an absent or shortened protein product, a known mechanism of disease. The variant was absent in 21694 control chromosomes (gnomAD structural variants dataset). The variant, c.(?_-228)_(67+1_68-1)del, has been reported in the literature in several breast cancer families (e.g. Bunyan_2004, Woodward_2005, Evans_2008, Jackson_2014, Rebbeck_2018). These data indicate that the variant is very likely to be associated with disease. To our knowledge, no experimental evidence demonstrating an impact on protein function has been reported. One submitter has provided clinical-significance assessments for this variant in ClinVar after 2014 without evidence for independent evaluation, and classified the variant as pathogenic. Based on the evidence outlined above, the variant was classified as pathogenic.

Literature cited by the submitters: PubMed 17636422; PubMed 15475941; PubMed 15863663; PubMed 24522996; PubMed 29446198.